The following is an entry in ClinVar:

ClinVar aggregate classification (germline): Benign/Likely benign. Review status: criteria provided, multiple submitters, no conflicts (2 of 4 stars). 9 submissions from 9 submitters: Benign (1); Likely benign (6). 2 of the submissions do not count toward it. Last evaluated 2026-01-06.

Conditions:
Hereditary cancer-predisposing syndrome. Also called: Tumor predisposition; Hereditary Cancer Syndrome; Hereditary neoplastic syndrome; Neoplastic Syndromes, Hereditary. Identifiers: Orphanet 140162, MedGen C0027672, MeSH D009386, MONDO:0015356.
Peutz-Jeghers syndrome (PJS). Also called: Peutz-Jeghers polyposis; Periorificial lentiginosis syndrome; POLYPOSIS, HAMARTOMATOUS INTESTINAL; POLYPS-AND-SPOTS SYNDROME. Identifiers: Orphanet 2869, MedGen C0031269, MeSH D010580, MONDO:0008280, OMIM 175200.

Allele frequency attached by ClinVar (database versions not stated): gnomAD exomes 0.00001 and 0.00007; TOPMed 0.00001; gnomAD 0.00002 and 0.00003; ExAC 0.00012; 1000 Genomes Project 30x 0.00016; 1000 Genomes Project 0.00020.
gnomAD v4.1: 24 of 1,608,490 alleles (0.0015%); highest among the groups gnomAD compares: East Asian, 0.036%; no homozygotes.

Submissions (9):

Labcorp Genetics (formerly Invitae), Labcorp
Classification: Likely benign for Peutz-Jeghers syndrome. Last evaluated: 2026-01-06. Review status: criteria provided, single submitter. Criteria: Invitae Variant Classification Sherloc (09022015). Collection method: clinical testing. Allele origin: germline.

ARUP Laboratories, Molecular Genetics and Genomics, ARUP Laboratories
Classification: Likely benign. Last evaluated: 2025-02-26. Review status: criteria provided, single submitter. Criteria: ARUP Molecular Germline Variant Investigation Process 2024. Collection method: clinical testing. Allele origin: germline.

All of Us Research Program, National Institutes of Health
Classification: Likely benign for Peutz-Jeghers syndrome. Last evaluated: 2023-12-18. Review status: criteria provided, single submitter. Criteria: ACMG Guidelines, 2015. Collection method: clinical testing. Allele origin: germline. Inheritance: Autosomal dominant inheritance. Observed: 6 variant alleles, 6 heterozygotes.
Comment: This study involves interpretation of variants in research participants for the purpose of population health screening. Participant phenotype was not available at the time of variant classification. Additional details can be found in publication PMID: 35346344, PMCID: PMC8962531

Myriad Genetics, Inc.
Classification: Likely benign for Peutz-Jeghers syndrome. Last evaluated: 2023-04-12. Review status: criteria provided, single submitter. Criteria: Myriad Autosomal Dominant, Autosomal Recessive and X-Linked Classification Criteria (2023). Collection method: clinical testing. Allele origin: unknown.
Comment: This variant is considered likely benign. This variant is intronic and is not expected to impact mRNA splicing.

Sema4
Classification: Benign for Hereditary cancer-predisposing syndrome. Last evaluated: 2021-05-05. Review status: criteria provided, single submitter. Criteria: Sema4 Curation Guidelines. Collection method: curation. Allele origin: germline.

GeneDx
Classification: Likely benign. Last evaluated: 2020-02-25. Review status: criteria provided, single submitter. Criteria: GeneDx Variant Classification Process June 2021. Collection method: clinical testing. Allele origin: germline. Affected: yes.

Color Diagnostics, LLC DBA Color Health
Classification: Likely benign for Hereditary cancer-predisposing syndrome. Last evaluated: 2016-08-18. Review status: criteria provided, single submitter. Criteria: ACMG Guidelines, 2015. Collection method: clinical testing. Allele origin: germline.

Counsyl
Classification: Likely benign for Peutz-Jeghers syndrome. Last evaluated: 2016-10-25. Review status: no assertion criteria provided. Collection method: clinical testing. Allele origin: unknown. Not counted in ClinVar's aggregate classification.

Department of Pathology and Laboratory Medicine, Sinai Health System
Classification: Likely benign for Peutz-Jeghers syndrome. Review status: no assertion criteria provided. Collection method: clinical testing. Allele origin: unknown. Affected: yes. Study: The Canadian Open Genetics Repository (COGR). Not counted in ClinVar's aggregate classification.
Comment: The STK11 c.1109-13G>A variant was not identified in the literature nor was it identified in the Cosmic, LOVD 3.0, Zhejiang University, or Insight Hereditary Tumors databases. The variant was identified in dbSNP (ID: rs568152768) as "With Likely benign alleleâ€šÃ„Ã¹ and ClinVar (classified as likely benign by Counsyl, GeneDx, and Color Genomics). The variant was identified in control databases in 16 of 264868 chromosomes at a frequency of 0.00006 (Genome Aggregation Database Feb 27, 2017). The variant was observed in the following populations: East Asian in 13 of 18550 chromosomes (freq: 0.0007), Other in 1 of 6206 chromosomes (freq: 0.0001), and South Asian in 2 of 29794 chromosomes (freq: 0.000067); it was not observed in the African, Latino, European, Ashkenazi Jewish, or Finnish, populations. The variant occurs outside of the splicing consensus sequence and in silico or computational prediction software programs (SpliceSiteFinder, MaxEntScan, NNSPLICE, GeneSplicer) do not predict a difference in splicing. In summary, based on the above information, the clinical significance of this variant cannot be determined with certainty at this time although we would lean towards a more benign role for this variant. This variant is classified as likely benign.

NM_000455.5(STK11):c.1109-13G>A

Gene: STK11 (serine/threonine kinase 11; plus strand). Cytogenetic location: 19p13.3.
Variant type: single nucleotide variant.
Coding change: c.1109-13G>A on transcript NM_000455.5 (MANE Select); 13 bases into the intron before coding-DNA position 1109, G replaced by A.
Molecular consequence: intron variant.
Genome position (GRCh38, 1-based): chr19:1,226,441, G>A. VCF-style: chr19-1226441-G-A. GRCh37 (hg19) VCF-style: chr19-1226440-G-A.
Identifiers: ClinVar variation 372045 (VCV000372045.20), dbSNP rs568152768, ClinGen allele CA045385.